The following is an entry in ClinVar:

NM_025193.4(HSD3B7):c.727C>T (p.Arg243Trp)

Gene: HSD3B7 (hydroxy-delta-5-steroid dehydrogenase, 3 beta- and steroid delta-isomerase 7; plus strand). Cytogenetic location: 16p11.2.
Variant type: single nucleotide variant.
Coding change: c.727C>T on transcript NM_025193.4 (MANE Select); coding-DNA position 727, C replaced by T.
Protein change: p.Arg243Trp; replaces arginine 243 with tryptophan.
Molecular consequence: missense variant. On other transcripts: synonymous variant (2).
Genome position (GRCh38, 1-based): chr16:30,987,800, C>T. VCF-style: chr16-30987800-C-T. GRCh37 (hg19) VCF-style: chr16-30999121-C-T.
Other names: c.727C>T (NM_025193.3); c.564C>T, p.Pro188= (NM_001142777.2, NM_001142778.2); short protein forms R243W.
Identifiers: ClinVar variation 1446329 (VCV001446329.7), dbSNP rs903191890, ClinGen allele CA280562948.

ClinVar aggregate classification (germline): Uncertain significance. Review status: criteria provided, multiple submitters, no conflicts (2 of 4 stars). 2 submissions from 2 submitters: Uncertain significance (2). Last evaluated 2025-09-10.

Conditions:
Inborn genetic diseases. Identifiers: MedGen C0950123, MeSH D030342.

Allele frequency attached by ClinVar (database versions not stated): TOPMed 0.00001.

Submissions (2):

Ambry Genetics
Classification: Uncertain significance for Inborn genetic diseases. Last evaluated: 2025-09-10. Review status: criteria provided, single submitter. Criteria: Ambry Variant Classification Scheme 2023. Collection method: clinical testing. Allele origin: germline.

Labcorp Genetics (formerly Invitae), Labcorp
Classification: Uncertain significance. Last evaluated: 2025-04-08. Review status: criteria provided, single submitter. Criteria: Invitae Variant Classification Sherloc (09022015). Collection method: clinical testing. Allele origin: germline.
Comment: This sequence change replaces arginine, which is basic and polar, with tryptophan, which is neutral and slightly polar, at codon 243 of the HSD3B7 protein (p.Arg243Trp). This variant is not present in population databases (gnomAD no frequency). This variant has not been reported in the literature in individuals affected with HSD3B7-related conditions. ClinVar contains an entry for this variant (Variation ID: 1446329). Invitae Evidence Modeling of protein sequence and biophysical properties (such as structural, functional, and spatial information, amino acid conservation, physicochemical variation, residue mobility, and thermodynamic stability) indicates that this missense variant is expected to disrupt HSD3B7 protein function with a positive predictive value of 80%. In summary, the available evidence is currently insufficient to determine the role of this variant in disease. Therefore, it has been classified as a Variant of Uncertain Significance.